The following is an entry in ClinVar:

NM_005618.4(DLL1):c.813C>T (p.Pro271=)

Gene: DLL1 (delta like canonical Notch ligand 1; minus strand). Cytogenetic location: 6q27.
Variant type: single nucleotide variant.
Coding change: c.813C>T on transcript NM_005618.4 (MANE Select); coding-DNA position 813, C replaced by T.
Protein change: p.Pro271=; no amino-acid change (proline 271 retained).
Molecular consequence: synonymous variant.
Genome position (GRCh38, 1-based): chr6:170,285,618, G>A on the plus strand (C>T on the coding strand, the complement: DLL1 is on the minus strand). VCF-style: chr6-170285618-G-A. GRCh37 (hg19) VCF-style: chr6-170594706-G-A.
Identifiers: ClinVar variation 708938 (VCV000708938.34), dbSNP rs151141942, ClinGen allele CA4107015.

ClinVar aggregate classification (germline): Benign/Likely benign. Review status: criteria provided, multiple submitters, no conflicts (2 of 4 stars). 3 submissions from 3 submitters: Benign (1); Likely benign (2). Last evaluated 2026-01-12.

Allele frequency attached by ClinVar (database versions not stated): gnomAD exomes 0.00028 and 0.00064; ExAC 0.00074; gnomAD 0.00199 and 0.00212; TOPMed 0.00230; ESP Exome Variant Server 0.00246; 1000 Genomes Project 30x 0.00250; 1000 Genomes Project 0.00260.
gnomAD v4.1: 744 of 1,614,082 alleles (0.046%); highest among the groups gnomAD compares: African/African-American, 0.68%; 3 homozygotes.

Submissions (3):

Labcorp Genetics (formerly Invitae), Labcorp
Classification: Benign. Last evaluated: 2026-01-12. Review status: criteria provided, single submitter. Criteria: Invitae Variant Classification Sherloc (09022015). Collection method: clinical testing. Allele origin: germline.

CeGaT Center for Human Genetics Tuebingen
Classification: Likely benign. Last evaluated: 2025-03-01. Review status: criteria provided, single submitter. Criteria: CeGaT Center For Human Genetics Tuebingen Variant Classification Criteria Version 2. Collection method: clinical testing. Allele origin: germline. Affected: yes. Observed: 4 variant alleles.
Comment: DLL1: BP4, BP7

Blueprint Genetics
Classification: Likely benign. Last evaluated: 2024-11-19. Review status: criteria provided, single submitter. Criteria: ACMG Guidelines, 2015. Collection method: clinical testing. Allele origin: germline.